The following is an entry in ClinVar:

ClinVar aggregate classification (germline): Likely benign. Review status: criteria provided, multiple submitters, no conflicts (2 of 4 stars). 3 submissions from 3 submitters: Likely benign (2). 1 of the submissions does not count toward it. Last evaluated 2025-01-06.

Conditions:
SMARCA4-related disorder. Also called: SMARCA4-related condition.
Rhabdoid tumor predisposition syndrome 2 (RTPS2). Identifiers: Orphanet 231108, Orphanet 69077, MedGen C2750074, MONDO:0013224, OMIM 613325.
Hereditary cancer-predisposing syndrome. Also called: Tumor predisposition; Neoplastic Syndromes, Hereditary; Hereditary Cancer Syndrome; Hereditary neoplastic syndrome. Identifiers: Orphanet 140162, MedGen C0027672, MeSH D009386, MONDO:0015356.

Submissions (3):

Labcorp Genetics (formerly Invitae), Labcorp
Classification: Likely benign for Rhabdoid tumor predisposition syndrome 2. Last evaluated: 2025-01-06. Review status: criteria provided, single submitter. Criteria: Invitae Variant Classification Sherloc (09022015). Collection method: clinical testing. Allele origin: germline.

Ambry Genetics
Classification: Likely benign for Hereditary cancer-predisposing syndrome. Last evaluated: 2022-10-22. Review status: criteria provided, single submitter. Criteria: Ambry Variant Classification Scheme 2023. Collection method: clinical testing. Allele origin: germline.

PreventionGenetics, part of Exact Sciences
Classification: Likely benign for SMARCA4-related condition. Last evaluated: 2022-05-27. Review status: no assertion criteria provided. Collection method: clinical testing. Allele origin: germline. Not counted in ClinVar's aggregate classification.
Comment: This variant is classified as likely benign based on ACMG/AMP sequence variant interpretation guidelines (Richards et al. 2015 PMID: 25741868, with internal and published modifications).

NM_003072.5(SMARCA4):c.3303G>A (p.Leu1101=)

Gene: SMARCA4 (SWI/SNF related BAF chromatin remodeling complex subunit ATPase 4; plus strand). Cytogenetic location: 19p13.2.
Variant type: single nucleotide variant.
Coding change: c.3303G>A on transcript NM_003072.5 (MANE Select); coding-DNA position 3303, G replaced by A.
Protein change: p.Leu1101=; no amino-acid change (leucine 1101 retained).
Molecular consequence: synonymous variant. On other transcripts: non-coding transcript variant (1).
Genome position (GRCh38, 1-based): chr19:11,027,871, G>A. VCF-style: chr19-11027871-G-A. GRCh37 (hg19) VCF-style: chr19-11138547-G-A.
Other names: c.3303G>A, p.Leu1101= (NM_001128844.3, NM_001128845.2, NM_001128846.2 and 4 more transcripts).
Identifiers: ClinVar variation 765798 (VCV000765798.13), dbSNP rs878854213, ClinGen allele CA505491792.